The following is an entry in ClinVar:

NM_001010892.3(RSPH4A):c.1861A>G (p.Ile621Val)

Gene: RSPH4A (radial spoke head component 4A; plus strand). Cytogenetic location: 6q22.1.
Variant type: single nucleotide variant.
Coding change: c.1861A>G on transcript NM_001010892.3 (MANE Select); coding-DNA position 1861, A replaced by G.
Protein change: p.Ile621Val; replaces isoleucine 621 with valine.
Molecular consequence: missense variant. On other transcripts: synonymous variant (1).
Genome position (GRCh38, 1-based): chr6:116,630,497, A>G. VCF-style: chr6-116630497-A-G. GRCh37 (hg19) VCF-style: chr6-116951660-A-G.
Other names: c.1725A>G, p.Leu575= (NM_001161664.2); short protein forms I621V.
Identifiers: ClinVar variation 1432570 (VCV001432570.5), dbSNP rs748272434, ClinGen allele CA3971059.

ClinVar aggregate classification (germline): Uncertain significance (1 of 4 stars; one submission).

Conditions:
Primary ciliary dyskinesia. Also called: Ciliary dyskinesia. Identifiers: Orphanet 244, MedGen C0008780, MONDO:0016575, HP:0012265.

Allele frequency attached by ClinVar (database versions not stated): gnomAD 0.00001; gnomAD exomes 0.00001; ExAC 0.00002.

Submission:

Labcorp Genetics (formerly Invitae), Labcorp
Classification: Uncertain significance for Primary ciliary dyskinesia. Last evaluated: 2024-07-01. Review status: criteria provided, single submitter. Criteria: Invitae Variant Classification Sherloc (09022015). Collection method: clinical testing. Allele origin: germline.
Comment: This sequence change replaces isoleucine, which is neutral and non-polar, with valine, which is neutral and non-polar, at codon 621 of the RSPH4A protein (p.Ile621Val). This variant is present in population databases (rs748272434, gnomAD 0.003%). This variant has not been reported in the literature in individuals affected with RSPH4A-related conditions. ClinVar contains an entry for this variant (Variation ID: 1432570). Advanced modeling of protein sequence and biophysical properties (such as structural, functional, and spatial information, amino acid conservation, physicochemical variation, residue mobility, and thermodynamic stability) performed at Invitae indicates that this missense variant is not expected to disrupt RSPH4A protein function with a negative predictive value of 80%. In summary, the available evidence is currently insufficient to determine the role of this variant in disease. Therefore, it has been classified as a Variant of Uncertain Significance.